The following is an entry in ClinVar:

NM_001034853.2(RPGR):c.2747_2749del (p.Glu916del)

Gene: RPGR (retinitis pigmentosa GTPase regulator; minus strand). Cytogenetic location: Xp11.4.
Variant type: Deletion.
Coding change: c.2747_2749del on transcript NM_001034853.2 (MANE Select); coding-DNA positions 2747 to 2749, 3 bases deleted (AAG; older notation c.2747_2749delAAG).
Protein change: p.Glu916del; deletes glutamic acid 916.
Molecular consequence: inframe deletion. On other transcripts: intron variant (8).
Genome position (GRCh38, 1-based): chrX:38,286,250-38,286,252, CTT deleted on the plus strand (AAG on the coding strand, the reverse complement: RPGR is on the minus strand); deleting any 3 consecutive bases within chrX:38,286,250-38,286,253 gives the same sequence; the c. name uses the placement nearest the transcript's 3' end. VCF-style (leftmost placement, unchanged base first): chrX-38286249-CCTT-C. GRCh37 (hg19) VCF-style: chrX-38145502-CCTT-C.
Other names: c.1569+4707_1569+4709del (NM_001367249.1, NM_001367250.1); c.1902+842_1902+844del (NM_001367245.1); c.1386+4707_1386+4709del (NM_001367251.1); c.1719+842_1719+844del (NM_001367246.1); c.1572+4707_1572+4709del (NM_001367247.1); c.1905+842_1905+844del (NM_000328.3); c.1602+4707_1602+4709del (NM_001367248.1); short protein forms E916del.
Identifiers: ClinVar variation 2191039 (VCV002191039.4), dbSNP rs1239505045, ClinGen allele CA875125357.

ClinVar aggregate classification (germline): Uncertain significance (1 of 4 stars; one submission).

Conditions:
Primary ciliary dyskinesia. Also called: Ciliary dyskinesia. Identifiers: Orphanet 244, MedGen C0008780, MONDO:0016575, HP:0012265.

Submission:

Labcorp Genetics (formerly Invitae), Labcorp
Classification: Uncertain significance for Primary ciliary dyskinesia. Last evaluated: 2022-05-16. Review status: criteria provided, single submitter. Criteria: Invitae Variant Classification Sherloc (09022015). Collection method: clinical testing. Allele origin: germline.
Comment: Experimental studies and prediction algorithms are not available or were not evaluated, and the functional significance of this variant is currently unknown. This variant has not been reported in the literature in individuals affected with RPGR (ORF15)-related conditions. This variant is not present in population databases (gnomAD no frequency). This variant, c.2747_2749del, results in the deletion of 1 amino acid(s) of the RPGR (ORF15) protein (p.Glu916del), but otherwise preserves the integrity of the reading frame. In summary, the available evidence is currently insufficient to determine the role of this variant in disease. Therefore, it has been classified as a Variant of Uncertain Significance.